The following is an entry in ClinVar:

NM_021098.3(CACNA1H):c.3199G>C (p.Glu1067Gln)

Gene: CACNA1H (calcium voltage-gated channel subunit alpha1 H; plus strand). Cytogenetic location: 16p13.3.
Variant type: single nucleotide variant.
Coding change: c.3199G>C on transcript NM_021098.3 (MANE Select); coding-DNA position 3199, G replaced by C.
Protein change: p.Glu1067Gln; replaces glutamic acid 1067 with glutamine.
Molecular consequence: missense variant.
Genome position (GRCh38, 1-based): chr16:1,208,057, G>C. VCF-style: chr16-1208057-G-C. GRCh37 (hg19) VCF-style: chr16-1258057-G-C.
Other names: c.3199G>C, p.Glu1067Gln (NM_001005407.2); short protein forms E1067Q.
Identifiers: ClinVar variation 848343 (VCV000848343.15), dbSNP rs751148760, ClinGen allele CA7800682.

ClinVar aggregate classification (germline): Conflicting classifications of pathogenicity. Review status: criteria provided, conflicting classifications (1 of 4 stars). 4 submissions from 4 submitters: Uncertain significance (3); Benign (1). Last evaluated 2025-10-07.

Conditions:
Epilepsy, childhood absence, susceptibility to, 6. Identifiers: Orphanet 64280, MedGen C2749872, MONDO:0012763, OMIM 611942.
Hyperaldosteronism, familial, type IV (HALD4). Also called: FH IV; ALDOSTERONISM, PRIMARY, AND HYPERTENSION. Identifiers: Orphanet 642671, MedGen C4310756, MONDO:0014875, OMIM 617027.
Inborn genetic diseases. Identifiers: MedGen C0950123, MeSH D030342.
Idiopathic generalized epilepsy. Also called: Generalised epilepsy; EIG. Identifiers: MedGen C0270850, MONDO:0005579, OMIM 600669.

Allele frequency attached by ClinVar (database versions not stated): gnomAD exomes below 0.00001 and 0.00001; ExAC 0.00002; gnomAD 0.00002 and 0.00003; TOPMed 0.00003.
gnomAD v4.1: 4 of 1,606,734 alleles (0.00025%); highest among the groups gnomAD compares: African/African-American, 0.0054%; no homozygotes.

Submissions (4):

Women's Health and Genetics/Laboratory Corporation of America, LabCorp
Classification: Uncertain significance. Last evaluated: 2025-10-07. Review status: criteria provided, single submitter. Criteria: LabCorp Variant Classification Summary - May 2015. Collection method: clinical testing. Allele origin: germline.
Comment: Variant summary: CACNA1H c.3199G>C (p.Glu1067Gln) results in a conservative amino acid change in the encoded protein sequence. Algorithms developed to predict the effect of missense changes on protein structure and function are either unavailable or do not agree on the potential impact of this missense change. The variant allele was found at a frequency of 8.5e-06 in 235196 control chromosomes (gnomAD). The available data on variant occurrences in the general population are insufficient to allow any conclusion about variant significance. To our knowledge, no occurrence of c.3199G>C in individuals affected with CACNA1H-related conditions and no experimental evidence demonstrating its impact on protein function have been reported. ClinVar contains an entry for this variant (Variation ID: 848343). Based on the evidence outlined above, the variant was classified as uncertain significance.

Fulgent Genetics
Classification: Uncertain significance for Epilepsy, childhood absence, susceptibility to, 6; Hyperaldosteronism, familial, type IV. Last evaluated: 2024-04-09. Review status: criteria provided, single submitter. Criteria: ACMG Guidelines, 2015. Collection method: clinical testing. Allele origin: germline.

Ambry Genetics
Classification: Uncertain significance for Inborn genetic diseases. Last evaluated: 2024-02-28. Review status: criteria provided, single submitter. Criteria: Ambry Variant Classification Scheme 2023. Collection method: clinical testing. Allele origin: germline.

Labcorp Genetics (formerly Invitae), Labcorp
Classification: Benign for Idiopathic generalized epilepsy; Hyperaldosteronism, familial, type IV. Last evaluated: 2022-08-23. Review status: criteria provided, single submitter. Criteria: Invitae Variant Classification Sherloc (09022015). Collection method: clinical testing. Allele origin: germline.